The following is an entry in ClinVar:

NM_015662.3(IFT172):c.3281G>A (p.Trp1094Ter)

Gene: IFT172 (intraflagellar transport 172; minus strand). Cytogenetic location: 2p23.3.
Variant type: single nucleotide variant.
Coding change: c.3281G>A on transcript NM_015662.3 (MANE Select); coding-DNA position 3281, G replaced by A.
Protein change: p.Trp1094Ter; replaces tryptophan 1094 with a stop codon.
Molecular consequence: nonsense.
Genome position (GRCh38, 1-based): chr2:27,456,601, C>T on the plus strand (G>A on the coding strand, the complement: IFT172 is on the minus strand). VCF-style: chr2-27456601-C-T. GRCh37 (hg19) VCF-style: chr2-27679468-C-T.
Other names: c.3215G>A, p.Trp1072Ter (NM_001410739.1); short protein forms W1072*, W1094*.
Identifiers: ClinVar variation 3344190 (VCV003344190.1).

ClinVar aggregate classification (germline): Likely pathogenic (0 of 4 stars; one submission).

Conditions:
IFT172-related disorder. Also called: IFT172-related condition; IFT172-related disorders.

gnomAD v4.1: 1 of 1,614,146 alleles (0.000062%); highest among the groups gnomAD compares: Non-Finnish European, 0.000085%; no homozygotes.

Submission:

PreventionGenetics, part of Exact Sciences
Classification: Likely pathogenic for IFT172-related condition. Last evaluated: 2024-08-15. Review status: no assertion criteria provided. Collection method: clinical testing. Allele origin: germline.
Comment: The IFT172 c.3281G>A variant is predicted to result in premature protein termination (p.Trp1094*). To our knowledge, this variant has not been reported in the literature or in a large population database, indicating this variant is rare. Nonsense variants in IFT172 are expected to be pathogenic. This variant is interpreted as likely pathogenic.